The following is an entry in ClinVar:

NM_001204.7(BMPR2):c.1652A>G (p.Tyr551Cys)

Gene: BMPR2 (bone morphogenetic protein receptor type 2; plus strand). Cytogenetic location: 2q33.2.
Variant type: single nucleotide variant.
Coding change: c.1652A>G on transcript NM_001204.7 (MANE Select); coding-DNA position 1652, A replaced by G.
Protein change: p.Tyr551Cys; replaces tyrosine 551 with cysteine.
Molecular consequence: missense variant.
Genome position (GRCh38, 1-based): chr2:202,555,317, A>G. VCF-style: chr2-202555317-A-G. GRCh37 (hg19) VCF-style: chr2-203420040-A-G.
Other names: short protein forms Y551C.
Identifiers: ClinVar variation 4214482 (VCV004214482.1).

ClinVar aggregate classification (germline): Uncertain significance (1 of 4 stars; one submission).

Conditions:
Inborn genetic diseases. Identifiers: MedGen C0950123, MeSH D030342.

gnomAD v4.1: 2 of 1,614,168 alleles (0.00012%); highest among the groups gnomAD compares: Non-Finnish European, 0.000085%; no homozygotes.

Submission:

Ambry Genetics
Classification: Uncertain significance for Inborn genetic diseases. Last evaluated: 2025-08-04. Review status: criteria provided, single submitter. Criteria: Ambry Variant Classification Scheme 2023. Collection method: clinical testing. Allele origin: germline.
Comment: The p.Y551C variant (also known as c.1652A>G), located in coding exon 12 of the BMPR2 gene, results from an A to G substitution at nucleotide position 1652. The tyrosine at codon 551 is replaced by cysteine, an amino acid with highly dissimilar properties. This amino acid position is conserved. In addition, this alteration is predicted to be deleterious by in silico analysis. Based on the available evidence, the clinical significance of this variant remains unclear.